The following continues an entry in ClinVar:

NM_175914.5(HNF4A):c.340C>T (p.Arg114Trp)

Gene: HNF4A. ClinVar aggregate classification (germline): Likely pathogenic. Likely pathogenic (1).

Submissions 6 to 11 of 16:

PreventionGenetics, part of Exact Sciences
Classification: Likely pathogenic for HNF4A-related condition. Last evaluated: 2025-07-28. Review status: criteria provided, single submitter. Criteria: ACMG Guidelines, 2015. Collection method: clinical testing. Allele origin: germline. Not counted in ClinVar's aggregate classification.
Comment: The HNF4A c.340C>T variant is predicted to result in the amino acid substitution p.Arg114Trp. This variant, also reported as p.Arg127Trp and p.Arg136Trp, has been reported in multiple individuals with maturity-onset diabetes (MODY), and has been described as a low penetrant variant (Furuta et al. 1997. PubMed ID: 9313765; Flannick et al. 2013. PubMed ID: 24097065; Delvecchio et al. 2014. PubMed ID: 25414397; Bansal et al. 2017. PubMed ID: 29207974; Wright et al. 2019. PubMed ID: 30665703; Table S4, Colclough et al. 2022. PubMed ID: 34789499). In one study, this variant was found in family members who were also positive for a truncating variant in HNF1A; carriers of just the HNF4A variant were found to be asymptomatic (Shankar et al. 2013. PubMed ID: 23551881). In vitro studies are conflicting and demonstrate both reduced transactivation activity (Lausen et al. 2000. PubMed ID: 10606640) and activity similar to wildtype (Navas et al. 1999. PubMed ID: 10389854). This variant is reported in 0.014% of alleles in individuals of Latino descent in gnomAD, and is classified as likely pathogenic by the ClinGen Monogenic Diabetes Variant Curation Expert Panel. Additionally, this variant has been reported in several unrelated individuals undergoing MODY sequencing at PreventionGenetics (Internal Data). A different missense change impacting the same amino acid (p.Arg114Gln) has also been reported in individuals with MODY (for example, Marucci et al. 2022. PubMed ID: 36227502). Taken together, the c.340C>T (p.Arg114Trp) variant is interpreted as likely pathogenic with reduced penetrance.

Women's Health and Genetics/Laboratory Corporation of America, LabCorp
Classification: Likely pathogenic for Maturity-onset diabetes of the young. Last evaluated: 2025-05-23. Review status: criteria provided, single submitter. Criteria: LabCorp Variant Classification Summary - May 2015. Collection method: clinical testing. Allele origin: germline. Not counted in ClinVar's aggregate classification.
Comment: Variant summary: HNF4A c.340C>T (p.Arg114Trp) results in a non-conservative amino acid change in the encoded protein sequence. Algorithms developed to predict the effect of missense changes on protein structure and function all suggest that this variant is likely to be disruptive. The variant allele was found at a frequency of 8e-05 in 250910 control chromosomes. The observed variant frequency is approximately 25.51 fold of the estimated maximal expected allele frequency for a pathogenic variant in HNF4A causing Maturity Onset Diabetes Of The Young 1/Neonatal Diabetes Mellitus phenotype (3.1e-06). c.340C>T has been widely reported in the literature in the heterozygous state in numerous individuals affected with Maturity Onset Diabetes Of The Young 1/Neonatal Diabetes Mellitus, with notably reduced penetrance (Furuta_1997, Laver_2016, Shi Park_2019, Wright_2019, Shankar_2013). Further, the ClinGen Monogenic Diabetes Expert Panel has noted >30 informative meioses demonstrating segregation of this variant with diabetes (ClinVar) and Wright_2019 found a statistically significant association (OR 2.9, 95% CI [1.7, 5] and p. value 3*10^-4) with diabetes across >500,000 individuals in the British population. These data indicate that the variant is likely to be associated with disease. At least two publications reporting conflicting experimental evidence evaluating an impact on protein function were ascertained. One study reports 30%-50% of normal transactivation potential (Lausen_2000) while the other reports transactivation at levels identical to the wild-type control (Navas_1999). The following publications have been ascertained in the context of this evaluation (PMID: 29207974, 25414397, 24097065, 9313765, 30191644, 10606640, 27486234, 10389854, 15830177, 23551881, 30977832, 30665703, 10819248). ClinVar contains an entry for this variant (Variation ID: 9212). Based on the evidence outlined above, the variant was classified as likely pathogenic.

Genetic Services Laboratory, University of Chicago
Classification: Likely pathogenic. Last evaluated: 2025-05-12. Review status: criteria provided, single submitter. Criteria: ACMG Guidelines, 2015. Collection method: clinical testing. Allele origin: germline. Not counted in ClinVar's aggregate classification.
Comment: The c.340C>T variant: Results in an amino acid change, p.Arg114Trp. Affects a highly conserved amino acid residue located in a domain of the HNF4A protein that is known to be functional. Appears to be deleterious using several in-silico pathogenicity prediction tools. Has been previously described in individuals with maturity onset diabetes of the young (MODY) and has reported strong segregation with disease in multiple families (PMID: 9313765, 11043869, 15830177, 25414397, 27486234, 29207974, 30977832). Has been observed to have reduced penetrance, with later average age of onset and decreased responsiveness to sulfonylurea treatment when compared to other HNF4A pathogenic variants (PMID: 27486234, 9313765). Is reported in the gnomAD v4 database with a frequency of 0.014% in the European subpopulation (dbSNP rs137853336). ClinVar contains an entry for this variant (Variation ID: 9212). Has been classified as Likely pathogenic by ClinGen Monogenic Diabetes Variant Curation Expert Panel. Collectively, this evidence indicates that this variant is likely pathogenic.

ARUP Laboratories, Molecular Genetics and Genomics, ARUP Laboratories
Classification: Pathogenic. Last evaluated: 2025-03-18. Review status: criteria provided, single submitter. Criteria: ARUP Molecular Germline Variant Investigation Process 2024. Collection method: clinical testing. Allele origin: germline. Not counted in ClinVar's aggregate classification.
Comment: The HNF4A c.340C>T, p.Arg114Trp variant (rs137853336), also known as p.Arg127Trp, is reported in the literature in numerous individuals affected with mature onset diabetes of the young (MODY) (Bulman 2000, Delvecchio 2014, Furuta 1997, Huerta-Chagoya 2024, Pearson 2005). This variant was found to segregate with disease in numerous pedigrees (Bulman 2000, Delvecchio 2014, Furuta 1997, Pearson 2005) but has been observed to have reduced penetrance with later age of onset (Laver 2016). Functional analyses of the variant protein found significantly reduced DNA binding and transactivation ability (Lausen 2000, Yang 2000). This variant is found in the general population with an overall allele frequency of 0.0080% (20/250910 alleles) in the Genome Aggregation Database (v2.1.1). Computational analyses predict that this variant is deleterious (REVEL: 0.919). Based on available information, this variant is considered to be pathogenic. References: Bulman MP et al. R127W in HNF4alpha is a loss-of-function mutation causing maturity-onset diabetes of the young (MODY) in a UK Caucasian family. Diabetologia. 2000 Sep;43(9):1203. PMID: 11043869. Delvecchio M et al. Low prevalence of HNF1A mutations after molecular screening of multiple MODY genes in 58 Italian families recruited in the pediatric or adult diabetes clinic from a single Italian hospital. Diabetes Care. 2014 Dec;37(12):e258-60. PMID: 25414397. Furuta H et al. Organization and Partial Sequence of the Hepatocyte Nuclear Factor-4a/MODY1 Gene and Identification of a Missense Mutation, R127W, in a Japanese Family With MODY. Diabetes. 1997 Oct;46(10):1652â€“1657. PMID: 9313765. Huerta-Chagoya A et al. Rare variant analyses in 51,256 type 2 diabetes cases and 370,487 controls reveal the pathogenicity spectrum of monogenic diabetes genes. Nat Genet. 2024 Nov;56(11):2370-2379. PMID: 39379762. Lausen J et al. Naturally occurring mutations in the human HNF4alpha gene impair the function of the transcription factor to a varying degree. Nucleic Acids Res. 2000 Jan 15;28(2):430-7. PMID: 10606640. Laver TW et al. The Common p.R114W HNF4A Mutation Causes a Distinct Clinical Subtype of Monogenic Diabetes. Diabetes. 2016 Oct;65(10):3212-7. PMID: 27486234. Pearson ER et al. Molecular genetics and phenotypic characteristics of MODY caused by hepatocyte nuclear factor 4alpha mutations in a large European collection. Diabetologia. 2005 May;48(5):878-85. PMID: 15830177. Yang Q et al. R127W-HNF-4alpha is a loss of function mutation but not a rare polymorphism and causes Type II diabetes in a Japanese family with MODY1. Diabetologia. 2000 Apr;43(4):520-4. PMID: 10819248.

Victorian Clinical Genetics Services, Murdoch Childrens Research Institute
Classification: Likely pathogenic for Maturity-onset diabetes of the young type 1. Last evaluated: 2024-12-05. Review status: criteria provided, single submitter. Criteria: ACMG Guidelines, 2015. Collection method: clinical testing. Allele origin: germline. Not counted in ClinVar's aggregate classification.
Comment: This variant is classified as Likely pathogenic. Evidence in support of pathogenic classification: Variant is present in gnomAD <0.001 for a dominant condition (v4: 186 heterozygote(s), 0 homozygote(s)); This variant has strong previous evidence of pathogenicity in unrelated individuals. This variant has been classified as likely pathogenic by the ClinGen Monogenic Diabetes Variant Curation Expert Panel (ClinVar). Additional information: Variant is predicted to result in a missense amino acid change from arginine to tryptophan; This variant is heterozygous; This gene is associated with autosomal dominant disease. Fanconi renotubular syndrome 4, with maturity-onset diabetes of the young (MIM#616026) is associated with a single recurring missense variant (PMID: 20164212); Multiple alternative amino acid changes at the same position have been observed in gnomAD (v4) (highest allele count: 96 heterozygotes, 0 homozygotes); Loss of function and dominant negative are known mechanisms of disease in this gene. Loss of function through a reduction of DNA binding is associated with MODY, type I (MIM#125850) and diabetes mellitus, noninsulin-dependent (MIM#125853) (OMIM; PMID: 31875549). Dominant negative is associated with Fanconi renotubular syndrome 4, with maturity-onset diabetes of the young (MIM#616026) (PMID: 31875549); The condition associated with this gene has incomplete penetrance (PMID: 36257325).

Athena Diagnostics
Classification: Pathogenic. Last evaluated: 2024-04-03. Review status: criteria provided, single submitter. Criteria: Athena Diagnostics Criteria. Collection method: clinical testing. Allele origin: unknown. Not counted in ClinVar's aggregate classification.
Comment: The frequency of this variant in the general population is consistent with pathogenicity. This variant is statistically more frequent in affected individuals than in the general population and/or healthy controls. This variant associates with disease in multiple families. Assessment of experimental evidence suggests this variant results in abnormal protein function, however the effect seen in these assays was less severe than for known pathogenic variants in this gene (PMID: 10606640, 10819248). This variant is also referred to as R127W and R114W in published literature.